The following is an entry in ClinVar:

NM_000138.5(FBN1):c.2627_2628insGCCGGGCGCGGTGGCTCACGCCTGTAATCCCAGCACTTTGGGAGGCCGAGGCGGGCGGATCACGAGGTCANNNNNNNNNNAAAAAAAAAAAAAAAAAAAAAAAGTCCCAGTGCTG (p.Cys876fs)

Gene: FBN1 (fibrillin 1; minus strand). Cytogenetic location: 15q21.1.
Variant type: Insertion.
Coding change: c.2627_2628insGCCGGGCGCGGTGGCTCACGCCTGTAATCCCAGCACTTTGGGAGGCCGAGGCGGGCGGATCACGAGGTCANNNNNNNNNNAAAAAAAAAAAAAAAAAAAAAAAGTCCCAGTGCTG on transcript NM_000138.5 (MANE Select); coding-DNA positions 2627 to 2628, GCCGGGCGCGGTGGCTCACGCCTGTAATCCCAGCACTTTGGGAGGCCGAGGCGGGCGGATCACGAGGTCANNNNNNNNNNAAAAAAAAAAAAAAAAAAAAAAAGTCCCAGTGCTG inserted.
Protein change: p.Cys876fs; shifts the reading frame from cysteine 876.
Molecular consequence: frameshift variant.
Genome position: GRCh38: chr15:48,495,187-48,495,188. GRCh37 (hg19): chr15:48,787,384-48,787,385.
Other names: c.2627_2628insGCCGGGCGCGGTGGCTCACGCCTGTAATCCCAGCACTTTGGGAGGCCGAGGCGGGCGGATCACGAGGTCANNNNNNNNNNAAAAAAAAAAAAAAAAAAAAAAAGTCCCAGTGCTG, p.Cys876fs (NM_001406716.1); short protein forms C876fs.
Identifiers: ClinVar variation 2953432 (VCV002953432.3), dbSNP rs2505570881.

ClinVar aggregate classification (germline): Pathogenic (1 of 4 stars; one submission).

Conditions:
Marfan syndrome (MFS). Also called: MARFAN SYNDROME, TYPE I; Marfan syndrome type 1; Marfan's syndrome; Marfan syndrome, classic; FBN1-Related Marfan Syndrome. Identifiers: Orphanet 284963, Orphanet 558, MedGen C0024796, MONDO:0007947, OMIM 154700.
Familial thoracic aortic aneurysm and aortic dissection (TAAD). Also called: Thoracic aortic aneurysms and dissections. Identifiers: Orphanet 91387, MedGen C4707243, MONDO:0019625.

Submission:

Labcorp Genetics (formerly Invitae), Labcorp
Classification: Pathogenic for Marfan syndrome; Familial thoracic aortic aneurysm and aortic dissection. Last evaluated: 2023-10-30. Review status: criteria provided, single submitter. Criteria: Invitae Variant Classification Sherloc (09022015). Collection method: clinical testing. Allele origin: germline.
Comment: This sequence change inserts a large fragment of DNA, likely a transposable element, in exon 22 of the FBN1 gene (c.2627_2628ins?), causing a frameshift at codon 876 (p.Cys876fs). The exact size and sequence of the insertion cannot be determined by the current assay. However, the insertion is expected to result in an absent or disrupted protein product. This variant is not present in population databases (gnomAD no frequency). This variant has not been reported in the literature in individuals affected with FBN1-related conditions. Retrotransposon insertions including LINE1 (L1), Alu, and SVA (SINE-VNTR-Alu) have been reported to be disease-causing through disruption of either a coding region or splice site (PMID: 19763152, 20307669, 22406018) and loss-of-function variants in FBN1 are known to be pathogenic (PMID: 17657824, 19293843). For these reasons, this variant has been classified as Pathogenic.

Literature cited by the submitters: PubMed 19763152; PubMed 20307669; PubMed 22406018; PubMed 17657824; PubMed 19293843.